The following is an entry in ClinVar:

ClinVar aggregate classification (germline): Uncertain significance (1 of 4 stars; one submission).

Conditions:
Developmental and epileptic encephalopathy, 2 (DEE2). Also called: INFANTILE SPASM SYNDROME, X-LINKED 2; CDKL5 deficiency disorder. Identifiers: Orphanet 1934, Orphanet 3451, Orphanet 505652, MedGen C4750718, MONDO:0010396, OMIM 300672.
Angelman syndrome-like. Identifiers: MedGen CN128785.

Submission:

Labcorp Genetics (formerly Invitae), Labcorp
Classification: Uncertain significance for Developmental and epileptic encephalopathy, 2; Angelman syndrome-like. Last evaluated: 2022-07-06. Review status: criteria provided, single submitter. Criteria: Invitae Variant Classification Sherloc (09022015). Collection method: clinical testing. Allele origin: germline.
Comment: This sequence change replaces serine, which is neutral and polar, with alanine, which is neutral and non-polar, at codon 849 of the CDKL5 protein (p.Ser849Ala). In summary, the available evidence is currently insufficient to determine the role of this variant in disease. Therefore, it has been classified as a Variant of Uncertain Significance. Advanced modeling of protein sequence and biophysical properties (such as structural, functional, and spatial information, amino acid conservation, physicochemical variation, residue mobility, and thermodynamic stability) performed at Invitae indicates that this missense variant is not expected to disrupt CDKL5 protein function. This variant has not been reported in the literature in individuals affected with CDKL5-related conditions. This variant is not present in population databases (gnomAD no frequency).

NM_001323289.2(CDKL5):c.2545T>G (p.Ser849Ala)

Gene: CDKL5 (cyclin dependent kinase like 5; plus strand). Cytogenetic location: Xp22.13.
Variant type: single nucleotide variant.
Coding change: c.2545T>G on transcript NM_001323289.2 (MANE Select); coding-DNA position 2545, T replaced by G.
Protein change: p.Ser849Ala; replaces serine 849 with alanine.
Molecular consequence: missense variant.
Genome position (GRCh38, 1-based): chrX:18,628,419, T>G. VCF-style: chrX-18628419-T-G. GRCh37 (hg19) VCF-style: chrX-18646539-T-G.
Other names: c.2545T>G, p.Ser849Ala (NM_001037343.2, NM_003159.3); short protein forms S849A.
Identifiers: ClinVar variation 2014627 (VCV002014627.4), dbSNP rs2518898664, ClinGen allele CA412367141.